The following is an entry in ClinVar:

ClinVar aggregate classification (germline): Uncertain significance (1 of 4 stars; one submission).

Conditions:
Achondrogenesis, type IA (ACG1A). Identifiers: Orphanet 932, Orphanet 93299, MedGen C0265273, MONDO:0008701, OMIM 200600.

gnomAD v4.1: 10 of 1,614,138 alleles (0.00062%); highest among the groups gnomAD compares: Admixed American, 0.0017%; no homozygotes.

Submission:

Labcorp Genetics (formerly Invitae), Labcorp
Classification: Uncertain significance for Achondrogenesis, type IA. Last evaluated: 2024-10-14. Review status: criteria provided, single submitter. Criteria: Invitae Variant Classification Sherloc (09022015). Collection method: clinical testing. Allele origin: germline.
Comment: This sequence change replaces valine, which is neutral and non-polar, with isoleucine, which is neutral and non-polar, at codon 1444 of the TRIP11 protein (p.Val1444Ile). This variant is present in population databases (rs779575181, gnomAD 0.002%). This variant has not been reported in the literature in individuals affected with TRIP11-related conditions. ClinVar contains an entry for this variant (Variation ID: 1445531). Invitae Evidence Modeling of protein sequence and biophysical properties (such as structural, functional, and spatial information, amino acid conservation, physicochemical variation, residue mobility, and thermodynamic stability) indicates that this missense variant is not expected to disrupt TRIP11 protein function with a negative predictive value of 80%. In summary, the available evidence is currently insufficient to determine the role of this variant in disease. Therefore, it has been classified as a Variant of Uncertain Significance.

NM_004239.4(TRIP11):c.4330G>A (p.Val1444Ile)

Gene: TRIP11 (thyroid hormone receptor interactor 11; minus strand). Cytogenetic location: 14q32.12.
Variant type: single nucleotide variant.
Coding change: c.4330G>A on transcript NM_004239.4 (MANE Select); coding-DNA position 4330, G replaced by A.
Protein change: p.Val1444Ile; replaces valine 1444 with isoleucine.
Molecular consequence: missense variant.
Genome position (GRCh38, 1-based): chr14:92,003,646, C>T on the plus strand (G>A on the coding strand, the complement: TRIP11 is on the minus strand). VCF-style: chr14-92003646-C-T. GRCh37 (hg19) VCF-style: chr14-92469990-C-T.
Other names: c.4327G>A, p.Val1443Ile (NM_001321851.1); short protein forms V1444I, V1443I.
Identifiers: ClinVar variation 1445531 (VCV001445531.5), dbSNP rs779575181, ClinGen allele CA7313478.